The following is an entry in ClinVar:

ClinVar aggregate classification (germline): Benign/Likely benign. Review status: criteria provided, multiple submitters, no conflicts (2 of 4 stars). 2 submissions from 2 submitters: Benign (1); Likely benign (1). Last evaluated 2023-02-01.

Allele frequency attached by ClinVar (database versions not stated): ESP Exome Variant Server 0.00062; gnomAD 0.00081 and 0.00109; TOPMed 0.00098; gnomAD exomes 0.00124; ExAC 0.00149; 1000 Genomes Project 30x 0.00265; 1000 Genomes Project 0.00339.
gnomAD v4.1: 2,311 of 1,611,798 alleles (0.14%); highest among the groups gnomAD compares: East Asian, 1.9%; 24 homozygotes.

Submissions (2):

CeGaT Center for Human Genetics Tuebingen
Classification: Likely benign. Last evaluated: 2023-02-01. Review status: criteria provided, single submitter. Criteria: CeGaT Center For Human Genetics Tuebingen Variant Classification Criteria Version 2. Collection method: clinical testing. Allele origin: germline. Affected: yes. Observed: 1 variant allele.
Comment: SLC29A4: BS2

Labcorp Genetics (formerly Invitae), Labcorp
Classification: Benign. Last evaluated: 2018-10-18. Review status: criteria provided, single submitter. Criteria: Invitae Variant Classification Sherloc (09022015). Collection method: clinical testing. Allele origin: germline.

NM_153247.4(SLC29A4):c.949G>A (p.Gly317Ser)

Gene: SLC29A4 (solute carrier family 29 member 4; plus strand). Cytogenetic location: 7p22.1.
Variant type: single nucleotide variant.
Coding change: c.949G>A on transcript NM_153247.4 (MANE Select); coding-DNA position 949, G replaced by A.
Protein change: p.Gly317Ser; replaces glycine 317 with serine.
Molecular consequence: missense variant.
Genome position (GRCh38, 1-based): chr7:5,299,054, G>A. VCF-style: chr7-5299054-G-A. GRCh37 (hg19) VCF-style: chr7-5338685-G-A.
Other names: c.949G>A, p.Gly317Ser (NM_001040661.3); c.907G>A, p.Gly303Ser (NM_001300847.3); short protein forms G317S, G303S.
Identifiers: ClinVar variation 773735 (VCV000773735.27), dbSNP rs117803237, ClinGen allele CA4142715.